The following is an entry in ClinVar:

ClinVar aggregate classification (germline): Pathogenic/Likely pathogenic. Review status: criteria provided, multiple submitters, no conflicts (2 of 4 stars). 8 submissions from 8 submitters: Pathogenic (6); Likely pathogenic (2). Last evaluated 2025-11-21.

Conditions:
Glutaric acidemia type 2C.
Other rare neuromuscular disorders.
ETFDH-related disorder. Also called: ETFDH-related condition.
Multiple acyl-CoA dehydrogenase deficiency (MADD). Also called: ETHYLMALONIC-ADIPICACIDURIA; GA II; Glutaric aciduria, type 2; Glutaric acidemia type II; GA 2; Glutaric Acidemia type 2. Identifiers: Orphanet 26791, MedGen C0268596, MONDO:0009282, OMIM 231680.

Allele frequency attached by ClinVar (database versions not stated): ExAC 0.00001; gnomAD exomes 0.00001; gnomAD 0.00003 and 0.00004; TOPMed 0.00003.
gnomAD v4.1: 72 of 1,609,352 alleles (0.0045%); highest among the groups gnomAD compares: Non-Finnish European, 0.006%; no homozygotes.

Submissions (8):

Labcorp Genetics (formerly Invitae), Labcorp
Classification: Pathogenic for Multiple acyl-CoA dehydrogenase deficiency. Last evaluated: 2025-11-21. Review status: criteria provided, single submitter. Criteria: Invitae Variant Classification Sherloc (09022015). Collection method: clinical testing. Allele origin: germline.
Comment: This sequence change creates a premature translational stop signal (p.Glu412*) in the ETFDH gene. It is expected to result in an absent or disrupted protein product. Loss-of-function variants in ETFDH are known to be pathogenic (PMID: 16510302, 23785301). This variant is present in population databases (rs398124151, gnomAD 0.003%). This premature translational stop signal has been observed in individual(s) with glutaric aciduria type 2 (internal data). ClinVar contains an entry for this variant (Variation ID: 95071). For these reasons, this variant has been classified as Pathogenic.

NHS Central & South Genomic Laboratory Hub
Classification: Pathogenic for Other rare neuromuscular disorders. Last evaluated: 2025-10-21. Review status: criteria provided, single submitter. Criteria: ACMG Guidelines, 2015. Collection method: clinical testing. Allele origin: germline. Affected: yes.

GeneDx
Classification: Pathogenic. Last evaluated: 2025-03-07. Review status: criteria provided, single submitter. Criteria: GeneDx Variant Classification Process June 2021. Collection method: clinical testing. Allele origin: germline. Affected: yes.
Comment: Observed in the heterozygous state, or with a second ETFDH variant, in multiple patients with features of multiple acyl-CoA dehydrogenase deficiency who were tested at GeneDx or reported in the published literature (PMID: 29453417, 31904027); Nonsense variant predicted to result in protein truncation or nonsense mediated decay in a gene for which loss-of-function is a known mechanism of disease; Not observed at significant frequency in large population cohorts (gnomAD); This variant is associated with the following publications: (PMID: 31904027, 29453417)

Natera, Inc.
Classification: Pathogenic for Glutaric acidemia type 2C. Last evaluated: 2024-12-30. Review status: criteria provided, single submitter. Criteria: Natera Variant Classification Schema (03/2026). Collection method: clinical testing. Allele origin: germline.
Comment: The c.1234G>T variant in ETFDH is a nonsense variant predicted to introduce a stop codon at amino acid 412. This variant is expected to result in nonsense mediated decay, truncation, or a dysfunctional protein product. This variant is rare in the general population with a frequency below the threshold expected for the associated phenotype(s). This variant has been observed in one or more individuals affected with the associated recessive disease, as either homozygous or compound heterozygous with a second variant (PMID: 31904027, 39399475). Given the available evidence, this variant is classified as Pathogenic.

Blueprint Genetics
Classification: Likely pathogenic for ETFDH-related disorders. Last evaluated: 2024-09-10. Review status: criteria provided, single submitter. Criteria: ACMG Guidelines, 2015. Collection method: clinical testing. Allele origin: germline. Affected: yes. Observed: 4 variant alleles.

Fulgent Genetics
Classification: Pathogenic for Multiple acyl-CoA dehydrogenase deficiency. Last evaluated: 2024-02-17. Review status: criteria provided, single submitter. Criteria: ACMG Guidelines, 2015. Collection method: clinical testing. Allele origin: germline.

Baylor Genetics
Classification: Likely pathogenic for Multiple acyl-CoA dehydrogenase deficiency. Last evaluated: 2023-08-21. Review status: criteria provided, single submitter. Criteria: ACMG Guidelines, 2015. Collection method: clinical testing. Allele origin: unknown.

Eurofins Ntd Llc (ga)
Classification: Pathogenic. Last evaluated: 2012-08-20. Review status: criteria provided, single submitter. Criteria: EGL Classification Definitions. Collection method: clinical testing. Allele origin: germline. Observed: 1 variant allele, 1 heterozygote.

Literature cited by the submitters: PubMed 16510302 (cited by Labcorp Genetics (formerly Invitae), Labcorp); PubMed 23785301 (cited by Labcorp Genetics (formerly Invitae), Labcorp); PubMed 31904027 (cited by Natera, Inc.); PubMed 39399475 (cited by Natera, Inc.).

NM_004453.4(ETFDH):c.1234G>T (p.Glu412Ter)

Gene: ETFDH (electron transfer flavoprotein dehydrogenase; plus strand). Cytogenetic location: 4q32.1.
Variant type: single nucleotide variant.
Coding change: c.1234G>T on transcript NM_004453.4 (MANE Select); coding-DNA position 1234, G replaced by T.
Protein change: p.Glu412Ter; replaces glutamic acid 412 with a stop codon.
Molecular consequence: nonsense.
Genome position (GRCh38, 1-based): chr4:158,703,540, G>T. VCF-style: chr4-158703540-G-T. GRCh37 (hg19) VCF-style: chr4-159624692-G-T.
Other names: c.1093G>T, p.Glu365Ter (NM_001281737.2); c.1051G>T, p.Glu351Ter (NM_001281738.1); short protein forms E412*, E365*, E351*.
Identifiers: ClinVar variation 95071 (VCV000095071.25), dbSNP rs398124151, ClinGen allele CA222708.
Genomic context (GRCh38, chr4:158,703,540, plus strand): 5'-ATGAATGTTCCCAAGATCAAAGGTACTCACACAGCAATGAAAAGTGGAATTTTAGCAGCA[G>T]AATCTATTTTTAATCAACTAACTAGTGAAAATCTCCAATCAAAGACAATAGGTAAGAAAT-3'